The following is an entry in ClinVar:

NM_000397.4(CYBB):c.252+5G>A

Gene: CYBB (cytochrome b-245 beta chain; plus strand). Cytogenetic location: Xp21.1.
Variant type: single nucleotide variant.
Coding change: c.252+5G>A on transcript NM_000397.4 (MANE Select); 5 bases into the intron after coding-DNA position 252, G replaced by A.
Molecular consequence: intron variant.
Genome position (GRCh38, 1-based): chrX:37,783,605, G>A. VCF-style: chrX-37783605-G-A. GRCh37 (hg19) VCF-style: chrX-37642858-G-A.
Other names: IVS3, G-A, +5.
Identifiers: ClinVar variation 10930 (VCV000010930.5), dbSNP rs1602175016, ClinGen allele CA913189128.

ClinVar aggregate classification (germline): Pathogenic. Review status: criteria provided, multiple submitters, no conflicts (2 of 4 stars). 3 submissions from 3 submitters: Pathogenic (2). 1 of the submissions does not count toward it. Last evaluated 2025-06-22.

Conditions:
CYBB-related disorders.
Granulomatous disease, chronic, X-linked. Also called: CYTOCHROME b-NEGATIVE GRANULOMATOUS DISEASE, CHRONIC, X-LINKED; GRANULOMATOUS DISEASE, CHRONIC, X-LINKED, SOMATIC MOSAIC. Identifiers: Orphanet 379, MedGen C1844376, MONDO:0010600, OMIM 306400.

Submissions (3):

Labcorp Genetics (formerly Invitae), Labcorp
Classification: Pathogenic for Granulomatous disease, chronic, X-linked. Last evaluated: 2025-06-22. Review status: criteria provided, single submitter. Criteria: Invitae Variant Classification Sherloc (09022015). Collection method: clinical testing. Allele origin: germline.
Comment: This sequence change falls in intron 3 of the CYBB gene. It does not directly change the encoded amino acid sequence of the CYBB protein. It affects a nucleotide within the consensus splice site. This variant is not present in population databases (gnomAD no frequency). This variant has been observed in individuals with chronic granulomatous disease (PMID: 1520880, 29560547; internal data). This variant is also known as G>A change at +5 position in intron 3 in gp91-phox. ClinVar contains an entry for this variant (Variation ID: 10930). Variants that disrupt the consensus splice site are a relatively common cause of aberrant splicing (PMID: 17576681, 9536098). Algorithms developed to predict the effect of sequence changes on RNA splicing suggest that this variant may disrupt the consensus splice site. For these reasons, this variant has been classified as Pathogenic.

Blueprint Genetics
Classification: Pathogenic for CYBB-related disorders. Last evaluated: 2021-11-02. Review status: criteria provided, single submitter. Criteria: ACMG Guidelines, 2015. Collection method: clinical testing. Allele origin: germline. Affected: yes. Observed: 1 variant allele.

OMIM
Classification: Pathogenic for GRANULOMATOUS DISEASE, CHRONIC, X-LINKED. Last evaluated: 1992-09-01. Review status: no assertion criteria provided. Collection method: literature only. Allele origin: germline. Not counted in ClinVar's aggregate classification.

Literature cited by the submitters: PubMed 1520880 (cited by Labcorp Genetics (formerly Invitae), Labcorp); PubMed 29560547 (cited by Labcorp Genetics (formerly Invitae), Labcorp); PubMed 17576681 (cited by Labcorp Genetics (formerly Invitae), Labcorp); PubMed 9536098 (cited by Labcorp Genetics (formerly Invitae), Labcorp); PubMed 1438069 (cited by OMIM).